The following is an entry in ClinVar:

NM_005359.6(SMAD4):c.*6492A>T

Gene: SMAD4 (SMAD family member 4; plus strand). Cytogenetic location: 18q21.2.
Variant type: single nucleotide variant.
Coding change: c.*6492A>T on transcript NM_005359.6 (MANE Select); 6492 bases downstream of the stop codon, A replaced by T.
Molecular consequence: 3 prime UTR variant.
Genome position (GRCh38, 1-based): chr18:51,084,959, A>T. VCF-style: chr18-51084959-A-T. GRCh37 (hg19) VCF-style: chr18-48611329-A-T.
Identifiers: ClinVar variation 327218 (VCV000327218.5), dbSNP rs569819237, ClinGen allele CA10647820.

ClinVar aggregate classification (germline): Benign/Likely benign. Review status: criteria provided, single submitter (1 of 4 stars). 3 submissions from 1 submitter: Benign (2); Likely benign (1). Last evaluated 2018-01-12.

Conditions:
Myhre syndrome (MYHRS). Also called: LARYNGOTRACHEAL STENOSIS, ARTHROPATHY, PROGNATHISM, AND SHORT STATURE; LAPS SYNDROME. Identifiers: Orphanet 2588, MedGen C0796081, MONDO:0007688, OMIM 139210.
Juvenile polyposis/hereditary hemorrhagic telangiectasia syndrome (JPHT). Also called: JP/HHT SYNDROME; JUVENILE POLYPOSIS WITH HEREDITARY HEMORRHAGIC TELANGIECTASIA; POLYPOSIS, GENERALIZED JUVENILE, WITH PULMONARY ARTERIOVENOUS MALFORMATION; TELANGIECTASIA, HEREDITARY HEMORRHAGIC, WITH JUVENILE POLYPOSIS COLI; Juvenile Polyposis Syndrome / Hereditary Hemorrhagic Telangiectasia (JPS/HHT). Identifiers: Orphanet 2929, MedGen C1832942, MONDO:0008278, OMIM 175050.
Generalized juvenile polyposis/juvenile polyposis coli. Also called: Juvenile polyposis coli. Identifiers: Orphanet 329971, MedGen C1868081, MONDO:0008276.

Allele frequency attached by ClinVar (database versions not stated): 1000 Genomes Project 30x 0.00031; 1000 Genomes Project 0.00040; gnomAD 0.00049 and 0.00052; TOPMed 0.00060; gnomAD exomes 0.00096.
gnomAD v4.1: 143 of 215,038 alleles (0.066%); highest among the groups gnomAD compares: Middle Eastern, 1%; no homozygotes.

Submissions (3):

Illumina Laboratory Services, Illumina
Classification: Likely benign for Juvenile polyposis/hereditary hemorrhagic telangiectasia syndrome. Last evaluated: 2018-01-12. Review status: criteria provided, single submitter. Criteria: ICSL Variant Classification Criteria 13 December 2019. Collection method: clinical testing. Allele origin: germline.
Comment: This variant was observed in the ICSL laboratory as part of a predisposition screen in an ostensibly healthy population. It had not been previously curated by ICSL or reported in the Human Gene Mutation Database (HGMD: prior to June 1st, 2018), and was therefore a candidate for classification through an automated scoring system. Utilizing variant allele frequency, disease prevalence and penetrance estimates, and inheritance mode, an automated score was calculated to assess if this variant is too frequent to cause the disease. Based on the score and internal cut-off values, a variant classified as likely benign is not then subjected to further curation. The score for this variant resulted in a classification of likely benign for this disease.

Illumina Laboratory Services, Illumina
Classification: Benign for Juvenile polyposis syndrome. Last evaluated: 2018-01-12. Review status: criteria provided, single submitter. Criteria: ICSL Variant Classification Criteria 13 December 2019. Collection method: clinical testing. Allele origin: germline.
Comment: This variant was observed in the ICSL laboratory as part of a predisposition screen in an ostensibly healthy population. It had not been previously curated by ICSL or reported in the Human Gene Mutation Database (HGMD: prior to June 1st, 2018), and was therefore a candidate for classification through an automated scoring system. Utilizing variant allele frequency, disease prevalence and penetrance estimates, and inheritance mode, an automated score was calculated to assess if this variant is too frequent to cause the disease. Based on the score and internal cut-off values, a variant classified as benign is not then subjected to further curation. The score for this variant resulted in a classification of benign for this disease.

Illumina Laboratory Services, Illumina
Classification: Benign for Myhre syndrome. Last evaluated: 2018-01-12. Review status: criteria provided, single submitter. Criteria: ICSL Variant Classification Criteria 13 December 2019. Collection method: clinical testing. Allele origin: germline.
Comment: the same text as in the submission from Illumina Laboratory Services, Illumina above.